The following is an entry in ClinVar:

ClinVar aggregate classification (germline): Uncertain significance. Review status: criteria provided, multiple submitters, no conflicts (2 of 4 stars). 2 submissions from 2 submitters: Uncertain significance (2). Last evaluated 2024-09-22.

Conditions:
Mosaic variegated aneuploidy syndrome 1 (MVA1). Also called: Warburton-Anyane-Yeboa syndrome. Identifiers: Orphanet 1052, MedGen C1850343, MONDO:0009759, OMIM 257300.
Inborn genetic diseases. Identifiers: MedGen C0950123, MeSH D030342.

Allele frequency attached by ClinVar (database versions not stated): gnomAD exomes below 0.00001; gnomAD 0.00001; TOPMed 0.00002.
gnomAD v4.1: 6 of 1,614,072 alleles (0.00037%); highest among the groups gnomAD compares: African/African-American, 0.0013%; no homozygotes.

Submissions (2):

Labcorp Genetics (formerly Invitae), Labcorp
Classification: Uncertain significance for Mosaic variegated aneuploidy syndrome 1. Last evaluated: 2024-09-22. Review status: criteria provided, single submitter. Criteria: Invitae Variant Classification Sherloc (09022015). Collection method: clinical testing. Allele origin: germline.
Comment: This sequence change replaces proline, which is neutral and non-polar, with alanine, which is neutral and non-polar, at codon 299 of the BUB1B protein (p.Pro299Ala). This variant is present in population databases (no rsID available, gnomAD 0.004%). This variant has not been reported in the literature in individuals affected with BUB1B-related conditions. ClinVar contains an entry for this variant (Variation ID: 576127). An algorithm developed to predict the effect of missense changes on protein structure and function (PolyPhen-2) suggests that this variant is likely to be disruptive. In summary, the available evidence is currently insufficient to determine the role of this variant in disease. Therefore, it has been classified as a Variant of Uncertain Significance.

Ambry Genetics
Classification: Uncertain significance for Inborn genetic diseases. Last evaluated: 2023-11-28. Review status: criteria provided, single submitter. Criteria: Ambry Variant Classification Scheme 2023. Collection method: clinical testing. Allele origin: germline.

NM_001211.6(BUB1B):c.895C>G (p.Pro299Ala)

Gene: BUB1B (BUB1 mitotic checkpoint serine/threonine kinase B; plus strand). Cytogenetic location: 15q15.1.
Variant type: single nucleotide variant.
Coding change: c.895C>G on transcript NM_001211.6 (MANE Select); coding-DNA position 895, C replaced by G.
Protein change: p.Pro299Ala; replaces proline 299 with alanine.
Molecular consequence: missense variant.
Genome position (GRCh38, 1-based): chr15:40,185,308, C>G. VCF-style: chr15-40185308-C-G. GRCh37 (hg19) VCF-style: chr15-40477509-C-G.
Other names: short protein forms P299A.
Identifiers: ClinVar variation 576127 (VCV000576127.11), dbSNP rs1263513288, ClinGen allele CA391684555.
Genomic context (GRCh38, chr15:40,185,308, plus strand): 5'-GCTGATGAGGCTTCTACAGCAGAGTTGTCTAAGCCTACAGTCCAGCCATGGATAGCACCC[C>G]CCATGCCCAGGGCCAAAGAGAATGAGCTGCAAGCAGGCCCTTGGAACACAGGCAGGTCCT-3'
Protein context (NP_001202.5, residues 289-309): KPTVQPWIAP[Pro299Ala]MPRAKENELQ